The following is an entry in ClinVar:

NM_025114.4(CEP290):c.5709+45G>C

Gene: CEP290 (centrosomal protein 290; minus strand). Cytogenetic location: 12q21.32.
Variant type: single nucleotide variant.
Coding change: c.5709+45G>C on transcript NM_025114.4 (MANE Select); 45 bases into the intron after coding-DNA position 5709, G replaced by C.
Molecular consequence: intron variant.
Genome position (GRCh38, 1-based): chr12:88,077,177, C>G on the plus strand (G>C on the coding strand, the complement: CEP290 is on the minus strand). VCF-style: chr12-88077177-C-G. GRCh37 (hg19) VCF-style: chr12-88470954-C-G.
Identifiers: ClinVar variation 126265 (VCV000126265.8), dbSNP rs45477793, ClinGen allele CA150921.

ClinVar aggregate classification (germline): Benign. Review status: criteria provided, multiple submitters, no conflicts (2 of 4 stars). 4 submissions from 4 submitters: Benign (3). 1 of the submissions does not count toward it. Last evaluated 2018-06-14.

Allele frequency attached by ClinVar (database versions not stated): 1000 Genomes Project 0.06769; 1000 Genomes Project 30x 0.06886; TOPMed 0.12062; ExAC 0.12908; ESP Exome Variant Server 0.14505.
gnomAD v4.1: 238,134 of 1,555,648 alleles (15%); highest among the groups gnomAD compares: Middle Eastern, 27%; 20,567 homozygotes.

Submissions (4):

GeneDx
Classification: Benign. Last evaluated: 2018-06-14. Review status: criteria provided, single submitter. Criteria: GeneDx Variant Classification (06012015). Collection method: clinical testing. Allele origin: germline. Affected: yes.
Comment: This variant is considered likely benign or benign based on one or more of the following criteria: it is a conservative change, it occurs at a poorly conserved position in the protein, it is predicted to be benign by multiple in silico algorithms, and/or has population frequency not consistent with disease.

Breakthrough Genomics
Classification: Benign. Review status: criteria provided, single submitter. Criteria: ACMG Guidelines, 2015. Collection method: not provided. Allele origin: germline. Inheritance: Autosomal recessive inheritance. Affected: yes.

PreventionGenetics, part of Exact Sciences
Classification: Benign. Review status: criteria provided, single submitter. Criteria: ACMG Guidelines, 2015. Collection method: clinical testing. Allele origin: germline.

Genetic Services Laboratory, University of Chicago
Classification: Likely benign for AllHighlyPenetrant. Review status: no assertion criteria provided. Collection method: clinical testing. Allele origin: germline. Inheritance: Autosomal recessive inheritance. Observed: 106 variant alleles. Not counted in ClinVar's aggregate classification.
Comment: Likely benign based on allele frequency in 1000 Genomes Project or ESP global frequency and its presence in a patient with a rare or unrelated disease phenotype. NOT Sanger confirmed.